The following is an entry in ClinVar:

NM_015650.4(TRAF3IP1):c.1712C>G (p.Ala571Gly)

Gene: TRAF3IP1 (TRAF3 interacting protein 1; plus strand). Cytogenetic location: 2q37.3.
Variant type: single nucleotide variant.
Coding change: c.1712C>G on transcript NM_015650.4 (MANE Select); coding-DNA position 1712, C replaced by G.
Protein change: p.Ala571Gly; replaces alanine 571 with glycine.
Molecular consequence: missense variant.
Genome position (GRCh38, 1-based): chr2:238,397,481, C>G. VCF-style: chr2-238397481-C-G. GRCh37 (hg19) VCF-style: chr2-239306122-C-G.
Other names: c.1514C>G, p.Ala505Gly (NM_001139490.1); short protein forms A505G, A571G.
Identifiers: ClinVar variation 1942156 (VCV001942156.5), dbSNP rs2469852308, ClinGen allele CA351245812.
Genomic context (GRCh38, chr2:238,397,481, plus strand): 5'-GGAGGCGTGTTCCTCTTCCTATGTCTCCCTGACTGTAGGAGCGATCTCTCTTTGAGTCGG[C>G]ATGGAAGAAGGAGAAGGACATCGTTTCCAAGGAGATAGAGAAGCTCCGCACGTCCATCCA-3'
Protein context (NP_056465.2, residues 561-581): GEKERSLFES[Ala571Gly]WKKEKDIVSK

ClinVar aggregate classification (germline): Uncertain significance (1 of 4 stars; one submission).

Allele frequency attached by ClinVar (database versions not stated): gnomAD exomes below 0.00001.
gnomAD v4.1: 1 of 1,612,886 alleles (0.000062%); highest among the groups gnomAD compares: African/African-American, 0.0013%; no homozygotes.

Submission:

Labcorp Genetics (formerly Invitae), Labcorp
Classification: Uncertain significance. Last evaluated: 2022-10-24. Review status: criteria provided, single submitter. Criteria: Invitae Variant Classification Sherloc (09022015). Collection method: clinical testing. Allele origin: germline.
Comment: This variant has not been reported in the literature in individuals affected with TRAF3IP1-related conditions. This sequence change replaces alanine, which is neutral and non-polar, with glycine, which is neutral and non-polar, at codon 571 of the TRAF3IP1 protein (p.Ala571Gly). This variant is not present in population databases (gnomAD no frequency). Algorithms developed to predict the effect of missense changes on protein structure and function (SIFT, PolyPhen-2, Align-GVGD) all suggest that this variant is likely to be tolerated. In summary, the available evidence is currently insufficient to determine the role of this variant in disease. Therefore, it has been classified as a Variant of Uncertain Significance.